The following is an entry in ClinVar:

NM_002454.3(MTRR):c.1564A>G (p.Ile522Val)

Gene: MTRR (5-methyltetrahydrofolate-homocysteine methyltransferase reductase; plus strand). Cytogenetic location: 5p15.31.
Variant type: single nucleotide variant.
Coding change: c.1564A>G on transcript NM_002454.3 (MANE Select); coding-DNA position 1564, A replaced by G.
Protein change: p.Ile522Val; replaces isoleucine 522 with valine.
Molecular consequence: missense variant. On other transcripts: non-coding transcript variant (14).
Genome position (GRCh38, 1-based): chr5:7,895,740, A>G. VCF-style: chr5-7895740-A-G. GRCh37 (hg19) VCF-style: chr5-7895853-A-G.
Other names: c.1564A>G, p.Ile522Val (NM_001364440.2, NM_001364441.2, NM_001364442.2 and 1 more transcripts); short protein forms I522V.
Identifiers: ClinVar variation 2066445 (VCV002066445.2), dbSNP rs374903302, ClinGen allele CA3195987.
Genomic context (GRCh38, chr5:7,895,740, plus strand): 5'-ATACTCTTGCCTAGGTTTTCTTTCATACTTACCACATTTGATGTAATATTTCAGATATCC[A>G]TCTCTCCTCGAACAACAAATTCTTTCCACTTACCAGATGACCCCTCAATCCCCATCATAA-3'
Protein context (NP_002445.2, residues 512-532): SGKALAPKIS[Ile522Val]SPRTTNSFHL

ClinVar aggregate classification (germline): Uncertain significance. Review status: criteria provided, multiple submitters, no conflicts (2 of 4 stars). 2 submissions from 2 submitters: Uncertain significance (2). Last evaluated 2022-10-12.

Conditions:
Methylcobalamin deficiency type cblE (HMAE). Also called: VITAMIN B12-RESPONSIVE HOMOCYSTINURIA, cblE TYPE; HOMOCYSTINURIA-MEGALOBLASTIC ANEMIA, cblE COMPLEMENTATION TYPE; HOMOCYSTINURIA-MEGALOBLASTIC ANEMIA, cblE TYPE. Identifiers: Orphanet 2169, Orphanet 622, MedGen C1856057, MONDO:0009354, OMIM 236270.
Inborn genetic diseases. Identifiers: MedGen C0950123, MeSH D030342.

Allele frequency attached by ClinVar (database versions not stated): ExAC 0.00003; TOPMed 0.00003; gnomAD 0.00004; gnomAD exomes 0.00004; ESP Exome Variant Server 0.00008; 1000 Genomes Project 30x 0.00016; 1000 Genomes Project 0.00020.
gnomAD v4.1: 73 of 1,614,034 alleles (0.0045%); highest among the groups gnomAD compares: South Asian, 0.015%; no homozygotes.

Submissions (2):

Ambry Genetics
Classification: Uncertain significance for Inborn genetic diseases. Last evaluated: 2022-10-12. Review status: criteria provided, single submitter. Criteria: Ambry Variant Classification Scheme 2023. Collection method: clinical testing. Allele origin: germline.

Labcorp Genetics (formerly Invitae), Labcorp
Classification: Uncertain significance for Methylcobalamin deficiency type cblE. Last evaluated: 2021-09-01. Review status: criteria provided, single submitter. Criteria: Invitae Variant Classification Sherloc (09022015). Collection method: clinical testing. Allele origin: germline.
Comment: This sequence change replaces isoleucine with valine at codon 522 of the MTRR protein (p.Ile522Val). The isoleucine residue is highly conserved and there is a small physicochemical difference between isoleucine and valine. This variant is present in population databases (rs374903302, ExAC 0.006%). This variant has not been reported in the literature in individuals affected with MTRR-related conditions. Algorithms developed to predict the effect of missense changes on protein structure and function are either unavailable or do not agree on the potential impact of this missense change (SIFT: "Tolerated"; PolyPhen-2: "Probably Damaging"; Align-GVGD: "Class C0"). In summary, the available evidence is currently insufficient to determine the role of this variant in disease. Therefore, it has been classified as a Variant of Uncertain Significance.